The following is an entry in ClinVar:

NM_024422.6(DSC2):c.1662A>G (p.Gln554=)

Gene: DSC2 (desmocollin 2; minus strand). Cytogenetic location: 18q12.1.
Variant type: single nucleotide variant.
Coding change: c.1662A>G on transcript NM_024422.6 (MANE Select); coding-DNA position 1662, A replaced by G.
Protein change: p.Gln554=; no amino-acid change (glutamine 554 retained).
Molecular consequence: synonymous variant.
Genome position (GRCh38, 1-based): chr18:31,079,848, T>C on the plus strand (A>G on the coding strand, the complement: DSC2 is on the minus strand). VCF-style: chr18-31079848-T-C. GRCh37 (hg19) VCF-style: chr18-28659814-T-C.
Other names: c.1233A>G, p.Gln411= (NM_001406506.1, NM_001406507.1); c.1662A>G, p.Gln554= (NM_004949.5).
Identifiers: ClinVar variation 4750983 (VCV004750983.1).

ClinVar aggregate classification (germline): Uncertain significance (1 of 4 stars; one submission).

Conditions:
Arrhythmogenic right ventricular dysplasia 11. Also called: ARRHYTHMOGENIC RIGHT VENTRICULAR DYSPLASIA, FAMILIAL, 11; Arrhythmogenic Right Ventricular Dysplasia/Cardiomyopathy11; Arrhythmogenic right ventricular dysplasia 11 with mild palmoplantar keratoderma and woolly hair. Identifiers: MedGen C1864850, MONDO:0012506, OMIM 610476.

Submission:

Labcorp Genetics (formerly Invitae), Labcorp
Classification: Uncertain significance for Arrhythmogenic right ventricular dysplasia 11. Last evaluated: 2025-07-21. Review status: criteria provided, single submitter. Criteria: Invitae Variant Classification Sherloc (09022015). Collection method: clinical testing. Allele origin: germline.
Comment: This sequence change affects codon 554 of the DSC2 mRNA. It is a 'silent' change, meaning that it does not change the encoded amino acid sequence of the DSC2 protein. It affects a nucleotide within the consensus splice site. This variant is not present in population databases (gnomAD no frequency). This variant has not been reported in the literature in individuals affected with DSC2-related conditions. Algorithms developed to predict the effect of sequence changes on RNA splicing suggest that this variant is not likely to affect RNA splicing. In summary, the available evidence is currently insufficient to determine the role of this variant in disease. Therefore, it has been classified as a Variant of Uncertain Significance.